The following is an entry in ClinVar:

ClinVar aggregate classification (germline): Conflicting classifications of pathogenicity. Review status: criteria provided, conflicting classifications (1 of 4 stars). 2 submissions from 2 submitters: Pathogenic (1); Uncertain significance (1). Last evaluated 2025-02-04.

Submissions (2):

GeneDx
Classification: Pathogenic. Last evaluated: 2025-02-04. Review status: criteria provided, single submitter. Criteria: GeneDx Variant Classification Process June 2021. Collection method: clinical testing. Allele origin: germline. Affected: yes.
Comment: Identified as a paternally inherited variant in two unrelated patients with growth delay referred for genetic testing at GeneDx; In silico analysis, which includes protein predictors and evolutionary conservation, supports a deleterious effect; Not observed at significant frequency in large population cohorts (gnomAD); This variant is associated with the following publications: (PMID: Correia2024[article])

Women's Health and Genetics/Laboratory Corporation of America, LabCorp
Classification: Uncertain significance. Last evaluated: 2022-09-09. Review status: criteria provided, single submitter. Criteria: LabCorp Variant Classification Summary - May 2015. Collection method: clinical testing. Allele origin: germline.
Comment: Variant summary: IGF2 c.100G>A (p.Gly34Ser) results in a non-conservative amino acid change located in the Insulin-like domain (IPR016179) of the encoded protein sequence. Five of five in-silico tools predict a damaging effect of the variant on protein function. The variant was absent in 249850 control chromosomes (gnomAD). The available data on variant occurrences in the general population are insufficient to allow any conclusion about variant significance. To our knowledge, no occurrence of c.100G>A in individuals affected with Silver-Russell Syndrome 1 and no experimental evidence demonstrating its impact on protein function have been reported. One ClinVar submitter (evaluation after 2014) cites the variant as pathogenic. Based on the evidence outlined above, the variant was classified as uncertain significance.

NM_000612.6(IGF2):c.100G>A (p.Gly34Ser)

Genes: IGF2 (insulin like growth factor 2; minus strand), INS-IGF2 (INS-IGF2 readthrough; minus strand). Cytogenetic location: 11p15.5.
Variant type: single nucleotide variant.
Coding change: c.100G>A on transcript NM_000612.6 (MANE Select); coding-DNA position 100, G replaced by A.
Protein change: p.Gly34Ser; replaces glycine 34 with serine.
Molecular consequence: missense variant. On other transcripts: non-coding transcript variant (1).
Genome position (GRCh38, 1-based): chr11:2,135,424, C>T on the plus strand (G>A on the coding strand, the complement: IGF2 is on the minus strand). VCF-style: chr11-2135424-C-T. GRCh37 (hg19) VCF-style: chr11-2156654-C-T.
Other names: c.100G>A, p.Gly34Ser (NM_001007139.6, NM_001291861.3, NM_001291862.3); c.268G>A, p.Gly90Ser (NM_001127598.3); short protein forms G34S, G90S.
Identifiers: ClinVar variation 1187222 (VCV001187222.4), dbSNP rs1858937359, ClinGen allele CA379113901.